The following is an entry in ClinVar:

NM_000037.4(ANK1):c.1856G>A (p.Arg619His)

Gene: ANK1 (ankyrin 1; minus strand). Cytogenetic location: 8p11.21.
Variant type: single nucleotide variant.
Coding change: c.1856G>A on transcript NM_000037.4 (MANE Select); coding-DNA position 1856, G replaced by A.
Protein change: p.Arg619His; replaces arginine 619 with histidine.
Molecular consequence: missense variant.
Genome position (GRCh38, 1-based): chr8:41,708,920, C>T on the plus strand (G>A on the coding strand, the complement: ANK1 is on the minus strand). VCF-style: chr8-41708920-C-T. GRCh37 (hg19) VCF-style: chr8-41566438-C-T.
Other names: c.1955G>A, p.Arg652His (NM_001142446.2); c.1856G>A, p.Arg619His (NM_020475.3, NM_020476.3, NM_020477.3); short protein forms R619H, R652H.
Identifiers: ClinVar variation 261296 (VCV000261296.32), dbSNP rs2304877, ClinGen allele CA4728443.

ClinVar aggregate classification (germline): Benign/Likely benign. Review status: criteria provided, multiple submitters, no conflicts (2 of 4 stars). 10 submissions from 9 submitters: Benign (6); Likely benign (4). Last evaluated 2026-01-28.

Conditions:
Spherocytosis. Identifiers: MedGen C0553720, HP:0004444.
Hereditary spherocytosis type 1. Also called: Spherocytosis type 1; ANK1-Related Spherocytosis. Identifiers: Orphanet 822, MedGen C2674218, MONDO:0008447, OMIM 182900.

Allele frequency attached by ClinVar (database versions not stated): 1000 Genomes Project 0.04034; 1000 Genomes Project 30x 0.04263; ExAC 0.04357; gnomAD exomes 0.04442 and 0.05042; gnomAD 0.04721 and 0.04842; TOPMed 0.04838; ESP Exome Variant Server 0.05082.
gnomAD v4.1: 80,458 of 1,614,060 alleles (5%); highest among the groups gnomAD compares: Admixed American, 6%; 2,224 homozygotes.

Submissions (10):

Labcorp Genetics (formerly Invitae), Labcorp
Classification: Benign. Last evaluated: 2026-01-28. Review status: criteria provided, single submitter. Criteria: Invitae Variant Classification Sherloc (09022015). Collection method: clinical testing. Allele origin: germline.

ARUP Laboratories, Molecular Genetics and Genomics, ARUP Laboratories
Classification: Benign for Hereditary spherocytosis type 1. Last evaluated: 2025-07-01. Review status: criteria provided, single submitter. Criteria: ARUP Molecular Germline Variant Investigation Process 2024. Collection method: clinical testing. Allele origin: germline.

Blueprint Genetics
Classification: Likely benign. Last evaluated: 2024-11-26. Review status: criteria provided, single submitter. Criteria: ACMG Guidelines, 2015. Collection method: clinical testing. Allele origin: germline.

Mayo Clinic Laboratories, Mayo Clinic
Classification: Benign. Last evaluated: 2022-05-13. Review status: criteria provided, single submitter. Criteria: ACMG Guidelines, 2015. Collection method: clinical testing. Allele origin: germline. Observed: 205 variant alleles.
Comment: BA1

Genome-Nilou Lab
Classification: Benign for Hereditary spherocytosis type 1. Last evaluated: 2021-12-05. Review status: criteria provided, single submitter. Criteria: ACMG Guidelines, 2015. Collection method: clinical testing. Allele origin: germline. Affected: no.

GeneDx
Classification: Benign. Last evaluated: 2018-11-10. Review status: criteria provided, single submitter. Criteria: GeneDx Variant Classification Process June 2021. Collection method: clinical testing. Allele origin: germline. Affected: yes.
Comment: This variant is associated with the following publications: (PMID: 10745622)

Illumina Laboratory Services, Illumina
Classification: Benign for Hereditary spherocytosis type 1. Last evaluated: 2018-01-12. Review status: criteria provided, single submitter. Criteria: ICSL Variant Classification Criteria 13 December 2019. Collection method: clinical testing. Allele origin: germline.
Comment: This variant was observed in the ICSL laboratory as part of a predisposition screen in an ostensibly healthy population. It had not been previously curated by ICSL or reported in the Human Gene Mutation Database (HGMD: prior to June 1st, 2018), and was therefore a candidate for classification through an automated scoring system. Utilizing variant allele frequency, disease prevalence and penetrance estimates, and inheritance mode, an automated score was calculated to assess if this variant is too frequent to cause the disease. Based on the score and internal cut-off values, a variant classified as benign is not then subjected to further curation. The score for this variant resulted in a classification of benign for this disease.

Illumina Laboratory Services, Illumina
Classification: Likely benign for Spherocytosis. Last evaluated: 2018-01-12. Review status: criteria provided, single submitter. Criteria: ICSL Variant Classification Criteria 13 December 2019. Collection method: clinical testing. Allele origin: germline.
Comment: This variant was observed in the ICSL laboratory as part of a predisposition screen in an ostensibly healthy population. It had not been previously curated by ICSL or reported in the Human Gene Mutation Database (HGMD: prior to June 1st, 2018), and was therefore a candidate for classification through an automated scoring system. Utilizing variant allele frequency, disease prevalence and penetrance estimates, and inheritance mode, an automated score was calculated to assess if this variant is too frequent to cause the disease. Based on the score and internal cut-off values, a variant classified as likely benign is not then subjected to further curation. The score for this variant resulted in a classification of likely benign for this disease.

Breakthrough Genomics
Classification: Likely benign. Review status: criteria provided, single submitter. Criteria: ACMG Guidelines, 2015. Collection method: not provided. Allele origin: germline. Inheritance: Autosomal dominant inheritance. Affected: yes.

PreventionGenetics, part of Exact Sciences
Classification: Likely benign. Review status: criteria provided, single submitter. Criteria: ACMG Guidelines, 2015. Collection method: clinical testing. Allele origin: germline.